The following is an entry in ClinVar:

NM_003489.4(NRIP1):c.1742C>T (p.Pro581Leu)

Gene: NRIP1 (nuclear receptor interacting protein 1; minus strand). Cytogenetic location: 21q11.2.
Variant type: single nucleotide variant.
Coding change: c.1742C>T on transcript NM_003489.4 (MANE Select); coding-DNA position 1742, C replaced by T.
Protein change: p.Pro581Leu; replaces proline 581 with leucine.
Molecular consequence: missense variant.
Genome position (GRCh38, 1-based): chr21:14,966,451, G>A on the plus strand (C>T on the coding strand, the complement: NRIP1 is on the minus strand). VCF-style: chr21-14966451-G-A. GRCh37 (hg19) VCF-style: chr21-16338772-G-A.
Other names: short protein forms P581L.
Identifiers: ClinVar variation 3907381 (VCV003907381.1).

ClinVar aggregate classification (germline): Uncertain significance (1 of 4 stars; one submission).

gnomAD v4.1: 9 of 1,613,944 alleles (0.00056%); highest among the groups gnomAD compares: African/African-American, 0.011%; no homozygotes.

Submission:

Women's Health and Genetics/Laboratory Corporation of America, LabCorp
Classification: Uncertain significance. Last evaluated: 2025-06-04. Review status: criteria provided, single submitter. Criteria: LabCorp Variant Classification Summary - May 2015. Collection method: clinical testing. Allele origin: germline.
Comment: Variant summary: NRIP1 c.1742C>T (p.Pro581Leu) results in a non-conservative amino acid change in the encoded protein sequence. Algorithms developed to predict the effect of missense changes on protein structure and function are either unavailable or do not agree on the potential impact of this missense change. The variant allele was found at a frequency of 8e-06 in 251318 control chromosomes. The available data on variant occurrences in the general population are insufficient to allow any conclusion about variant significance. To our knowledge, no occurrence of c.1742C>T in individuals affected with Congenital Anomalies Of Kidney And Urinary Tract 3 and no experimental evidence demonstrating its impact on protein function have been reported. No submitters have cited clinical-significance assessments for this variant to ClinVar. Based on the evidence outlined above, the variant was classified as uncertain significance.